The following is an entry in ClinVar:

NM_018240.7(KIRREL1):c.1821C>T (p.Asn607=)

Genes: KIRREL1 (kirre like nephrin family adhesion molecule 1; plus strand), LOC126805884 (BRD4-independent group 4 enhancer GRCh37_chr1:158063276-158064475; plus strand). Cytogenetic location: 1q23.1.
Variant type: single nucleotide variant.
Coding change: c.1821C>T on transcript NM_018240.7 (MANE Select); coding-DNA position 1821, C replaced by T.
Protein change: p.Asn607=; no amino-acid change (asparagine 607 retained).
Molecular consequence: synonymous variant.
Genome position (GRCh38, 1-based): chr1:158,094,667, C>T. VCF-style: chr1-158094667-C-T. GRCh37 (hg19) VCF-style: chr1-158064457-C-T.
Other names: c.1521C>T, p.Asn507= (NM_001286349.2).
Identifiers: ClinVar variation 3032375 (VCV003032375.2), dbSNP rs754220759, ClinGen allele CA1177813.
Genomic context (GRCh38, chr1:158,094,667, plus strand): 5'-GAACACTGCCTCCATCCTCTTCTCTCATTGCCCCCAGGACCCCACCAATGGCTACTACAA[C>T]GTGCGTGCCCATGAAGACCGCCCGTCTTCCAGGGCAGTGCTCTATGCTGACTACCGTGCC-3'
Protein context (NP_060710.3, residues 597-617): EMKDPTNGYY[Asn607=]VRAHEDRPSS

ClinVar aggregate classification (germline): Likely benign (0 of 4 stars; one submission).

Conditions:
KIRREL1-related disorder. Also called: KIRREL1-related condition.

Allele frequency attached by ClinVar (database versions not stated): TOPMed 0.00002; gnomAD 0.00004; gnomAD exomes 0.00004; ExAC 0.00014.
gnomAD v4.1: 59 of 1,604,120 alleles (0.0037%); highest among the groups gnomAD compares: Admixed American, 0.013%; no homozygotes.

Submission:

PreventionGenetics, part of Exact Sciences
Classification: Likely benign for KIRREL1-related condition. Last evaluated: 2021-12-28. Review status: no assertion criteria provided. Collection method: clinical testing. Allele origin: germline.
Comment: This variant is classified as likely benign based on ACMG/AMP sequence variant interpretation guidelines (Richards et al. 2015 PMID: 25741868, with internal and published modifications).